The following is an entry in ClinVar:

ClinVar aggregate classification (germline): Uncertain significance. Review status: criteria provided, multiple submitters, no conflicts (2 of 4 stars). 2 submissions from 2 submitters: Uncertain significance (2). Last evaluated 2025-12-30.

Conditions:
Ehlers-Danlos syndrome, dermatosparaxis type. Also called: Ehlers-Danlos syndrome, type VII, autosomal recessive; EDS VIIC; Dermatosparaxis. Identifiers: Orphanet 1901, MedGen C2700425, MONDO:0009161, OMIM 225410.

Allele frequency attached by ClinVar (database versions not stated): gnomAD exomes below 0.00001.
gnomAD v4.1: 3 of 1,611,696 alleles (0.00019%); highest among the groups gnomAD compares: Admixed American, 0.0017%; no homozygotes.

Submissions (2):

Women's Health and Genetics/Laboratory Corporation of America, LabCorp
Classification: Uncertain significance. Last evaluated: 2025-12-30. Review status: criteria provided, single submitter. Criteria: LabCorp Variant Classification Summary - May 2015. Collection method: clinical testing. Allele origin: germline.
Comment: Variant summary: ADAMTS2 c.236C>T (p.Thr79Met) results in a non-conservative amino acid change in the encoded protein sequence. Algorithms developed to predict the effect of missense changes on protein structure and function are either unavailable or do not agree on the potential impact of this missense change. The variant allele was found at a frequency of 4.2e-06 in 239752 control chromosomes. The available data on variant occurrences in the general population are insufficient to allow any conclusion about variant significance. To our knowledge, no occurrence of c.236C>T in individuals affected with ADAMTS2-related conditions and no experimental evidence demonstrating its impact on protein function have been reported. ClinVar contains an entry for this variant (Variation ID: 1468882). Based on the evidence outlined above, the variant was classified as uncertain significance.

Labcorp Genetics (formerly Invitae), Labcorp
Classification: Uncertain significance for Ehlers-Danlos syndrome, dermatosparaxis type. Last evaluated: 2022-07-26. Review status: criteria provided, single submitter. Criteria: Invitae Variant Classification Sherloc (09022015). Collection method: clinical testing. Allele origin: germline.
Comment: This sequence change replaces threonine, which is neutral and polar, with methionine, which is neutral and non-polar, at codon 79 of the ADAMTS2 protein (p.Thr79Met). This variant is present in population databases (no rsID available, gnomAD 0.003%). This variant has not been reported in the literature in individuals affected with ADAMTS2-related conditions. ClinVar contains an entry for this variant (Variation ID: 1468882). Algorithms developed to predict the effect of missense changes on protein structure and function output the following: SIFT: "Deleterious"; PolyPhen-2: "Benign"; Align-GVGD: "Class C0". The methionine amino acid residue is found in multiple mammalian species, which suggests that this missense change does not adversely affect protein function. In summary, the available evidence is currently insufficient to determine the role of this variant in disease. Therefore, it has been classified as a Variant of Uncertain Significance.

NM_014244.5(ADAMTS2):c.236C>T (p.Thr79Met)

Gene: ADAMTS2 (ADAM metallopeptidase with thrombospondin type 1 motif 2; minus strand). Cytogenetic location: 5q35.3.
Variant type: single nucleotide variant.
Coding change: c.236C>T on transcript NM_014244.5 (MANE Select); coding-DNA position 236, C replaced by T.
Protein change: p.Thr79Met; replaces threonine 79 with methionine.
Molecular consequence: missense variant.
Genome position (GRCh38, 1-based): chr5:179,344,065, G>A on the plus strand (C>T on the coding strand, the complement: ADAMTS2 is on the minus strand). VCF-style: chr5-179344065-G-A. GRCh37 (hg19) VCF-style: chr5-178771066-G-A.
Other names: c.236C>T, p.Thr79Met (NM_021599.4); short protein forms T79M.
Identifiers: ClinVar variation 1468882 (VCV001468882.9), dbSNP rs1054586627, ClinGen allele CA133085981.
Genomic context (GRCh38, chr5:179,344,065, plus strand): 5'-CCGGGGAAGCTCGGGGTCCGGACCGGGGCGGCCCTGCGGGCTCGTACCCCTGCTCTGGAC[G>A]TAGCTGCCGACACCACGTGGGACACCAAGCGGCCCTGGGCGTCAGTGCGCACGGGCACCG-3'
Protein context (NP_055059.2, residues 69-89): RLVSHVVSAA[Thr79Met]SRAGVRARRA